The following is an entry in ClinVar:

ClinVar aggregate classification (germline): Uncertain significance. Review status: criteria provided, multiple submitters, no conflicts (2 of 4 stars). 2 submissions from 2 submitters: Uncertain significance (2). Last evaluated 2026-07-14.

Conditions:
TTN-related disorder. Also called: TTN-related disorders; TTN-related condition; TTN-related disease.

gnomAD v4.1: 33 of 1,609,104 alleles (0.0021%); highest among the groups gnomAD compares: South Asian, 0.013%; no homozygotes.

Submissions (2):

PreventionGenetics, part of Exact Sciences
Classification: Uncertain significance for TTN-related condition. Last evaluated: 2026-07-14. Review status: criteria provided, single submitter. Criteria: ACMG Guidelines, 2015. Collection method: clinical testing. Allele origin: germline.
Comment: The TTN c.55352G>A variant is predicted to result in the amino acid substitution p.Arg18451Gln. This variant has been reported in an individual from a cohort of patients with Bannayan-Riley-Ruvalcaba-like syndrome and Cowden syndrome (Supplementary Table 5, Yehia et al. 2017. PubMed ID: 29263846). This variant is reported in 0.017% of alleles in individuals of South Asian descent in gnomAD. At this time, the clinical significance of this variant is uncertain due to the absence of conclusive functional and genetic evidence.

Blueprint Genetics
Classification: Uncertain significance. Last evaluated: 2023-08-29. Review status: criteria provided, single submitter. Criteria: ACMG Guidelines, 2015. Collection method: clinical testing. Allele origin: germline.

NM_001267550.2(TTN):c.55352G>A (p.Arg18451Gln)

Genes: TTN (titin; minus strand), TTN-AS1 (TTN antisense RNA 1; plus strand). Cytogenetic location: 2q31.2.
Variant type: single nucleotide variant.
Coding change: c.55352G>A on transcript NM_001267550.2 (MANE Select); coding-DNA position 55352, G replaced by A.
Protein change: p.Arg18451Gln; replaces arginine 18451 with glutamine.
Molecular consequence: missense variant.
Genome position (GRCh38, 1-based): chr2:178,601,738, C>T on the plus strand (G>A on the coding strand, the complement: TTN is on the minus strand). VCF-style: chr2-178601738-C-T. GRCh37 (hg19) VCF-style: chr2-179466465-C-T.
Other names: c.50429G>A, p.Arg16810Gln (NM_001256850.1); c.28157G>A, p.Arg9386Gln (NM_003319.4); c.47648G>A, p.Arg15883Gln (NM_133378.4); c.28532G>A, p.Arg9511Gln (NM_133432.3); c.28733G>A, p.Arg9578Gln (NM_133437.4); short protein forms R18451Q, R9578Q, R15883Q, R16810Q, R9386Q, R9511Q.
Identifiers: ClinVar variation 4958289 (VCV004958289.2).